The following is an entry in ClinVar:

ClinVar aggregate classification (germline): Pathogenic (1 of 4 stars; one submission).

Conditions:
Fanconi anemia (FA). Also called: Fanconi's anemia. Identifiers: Orphanet 84, MedGen C0015625, MeSH D005199, MONDO:0019391.

Submission:

Labcorp Genetics (formerly Invitae), Labcorp
Classification: Pathogenic for Fanconi anemia. Last evaluated: 2020-12-23. Review status: criteria provided, single submitter. Criteria: Invitae Variant Classification Sherloc (09022015). Collection method: clinical testing. Allele origin: germline.
Comment: This sequence change creates a premature translational stop signal (p.Arg401Phefs*4) in the FANCD2 gene. It is expected to result in an absent or disrupted protein product. Loss-of-function variants in FANCD2 are known to be pathogenic (PMID: 17436244). This variant is not present in population databases (ExAC no frequency). This variant has not been reported in the literature in individuals with FANCD2-related conditions. For these reasons, this variant has been classified as Pathogenic.

Literature cited by the submitters: PubMed 17436244.

NM_001018115.3(FANCD2):c.1200_1201insTTCTTTGTCTAATGTACTA (p.Arg401delinsPhePheValTer)

Genes: FANCD2 (FA complementation group D2; plus strand), LOC107303338 (3p25 FANCD2 Alu-mediated recombination region; plus strand). Cytogenetic location: 3p25.3.
Variant type: Insertion.
Coding change: c.1200_1201insTTCTTTGTCTAATGTACTA on transcript NM_001018115.3 (MANE Select); coding-DNA positions 1200 to 1201, TTCTTTGTCTAATGTACTA inserted.
Protein change: p.Arg401delinsPhePheValTer.
Molecular consequence: nonsense.
Genome position: GRCh38 VCF-style: chr3-10046645-C-CTTCTTTGTCTAATGTACTA. GRCh37 (hg19) VCF-style: chr3-10088329-C-CTTCTTTGTCTAATGTACTA.
Other names: c.1200_1201insTTCTTTGTCTAATGTACTA, p.Arg401delinsPhePheValTer (NM_001319984.2, NM_001374253.1, NM_001374254.1 and 1 more transcripts).
Identifiers: ClinVar variation 1456818 (VCV001456818.6), dbSNP rs2125000318, ClinGen allele CA1044982722.